The following is an entry in ClinVar:

NM_024101.7(MLPH):c.669C>T (p.Ser223=)

Gene: MLPH (melanophilin; plus strand). Cytogenetic location: 2q37.3.
Variant type: single nucleotide variant.
Coding change: c.669C>T on transcript NM_024101.7 (MANE Select); coding-DNA position 669, C replaced by T.
Protein change: p.Ser223=; no amino-acid change (serine 223 retained).
Molecular consequence: synonymous variant. On other transcripts: non-coding transcript variant (1), intron variant (1).
Genome position (GRCh38, 1-based): chr2:237,520,023, C>T. VCF-style: chr2-237520023-C-T. GRCh37 (hg19) VCF-style: chr2-238428666-C-T.
Other names: c.669C>T, p.Ser223= (NM_001042467.3, NM_001281474.2); c.555+1375C>T (NM_001281473.2).
Identifiers: ClinVar variation 3770859 (VCV003770859.15).
Genomic context (GRCh38, chr2:237,520,023, plus strand): 5'-CTCCACTCAGCCTCAAGGTCACTCCCTGCACCTGTCCTCAGTCCCTGAGGCCAGGGACAG[C>T]CCACAGGTCAGTGGGTCCTCGTGTCTTTCCCCTGCCCCTCCCAGGAACCTGAGTGGCAGG-3'
Protein context (NP_077006.1, residues 213-233): HLSSVPEARD[Ser223=]PQSLTDESCS

ClinVar aggregate classification (germline): Likely benign. Review status: criteria provided, multiple submitters, no conflicts (2 of 4 stars). 3 submissions from 3 submitters: Likely benign (3). Last evaluated 2025-09-15.

gnomAD v4.1: 127 of 1,613,916 alleles (0.0079%); highest among the groups gnomAD compares: African/African-American, 0.12%; no homozygotes.

Submissions (3):

Labcorp Genetics (formerly Invitae), Labcorp
Classification: Likely benign. Last evaluated: 2025-09-15. Review status: criteria provided, single submitter. Criteria: Invitae Variant Classification Sherloc (09022015). Collection method: clinical testing. Allele origin: germline.

CeGaT Center for Human Genetics Tuebingen
Classification: Likely benign. Last evaluated: 2025-02-01. Review status: criteria provided, single submitter. Criteria: CeGaT Center For Human Genetics Tuebingen Variant Classification Criteria Version 2. Collection method: clinical testing. Allele origin: germline. Affected: yes. Observed: 1 variant allele.
Comment: MLPH: BP4, BP7

Blueprint Genetics
Classification: Likely benign. Last evaluated: 2024-03-23. Review status: criteria provided, single submitter. Criteria: ACMG Guidelines, 2015. Collection method: clinical testing. Allele origin: germline.